The following is an entry in ClinVar:

ClinVar aggregate classification (germline): Uncertain significance (1 of 4 stars; one submission).

Conditions:
Mucopolysaccharidosis, MPS-IV-A (MPS4A). Also called: Morquio syndrome A, mild; MORQUIO SYNDROME A; GALACTOSAMINE-6-SULFATASE DEFICIENCY; GALNS DEFICIENCY; MORQUIO A DISEASE; Mucopolysaccharidosis type IV A. Identifiers: Orphanet 309297, Orphanet 582, MedGen C0086651, MONDO:0009659, OMIM 253000.

gnomAD v4.1: 1 of 1,614,098 alleles (0.000062%); highest among the groups gnomAD compares: Non-Finnish European, 0.000085%; no homozygotes.

Submission:

Neuberg Centre For Genomic Medicine, NCGM
Classification: Uncertain significance for Mucopolysaccharidosis, MPS-IV-A. Review status: criteria provided, single submitter. Criteria: ACMG Guidelines, 2015. Collection method: clinical testing. Allele origin: germline. Inheritance: Autosomal recessive inheritance. Affected: yes.
Comment: The observed missense c.734T>C (p.Phe245Ser) variant in GALNS gene has not been reported previously as a pathogenic variant nor as a benign variant, to our knowledge. The p.Phe245Ser variant is present with allele frequency of 0% in gnomAD Exomes. This variant has not been submitted to the ClinVar database. Multiple lines of computational evidence (Polyphen - Benign, SIFT - Damaging and MutationTaster - Disease causing) predicts conflicting evidence on protein structure and function for this variant. The reference amino acid at this position on GALNS gene is predicted as conserved by GERP++ and PhyloP across 100 vertebrates. The amino acid Phe at position 245 is changed to a Ser changing protein sequence and it might alter its composition and physico-chemical properties. For these reasons, this variant has been classified as Variant of Uncertain Significance (VUS).

NM_000512.5(GALNS):c.734T>C (p.Phe245Ser)

Gene: GALNS (galactosamine (N-acetyl)-6-sulfatase; minus strand). Cytogenetic location: 16q24.3.
Variant type: single nucleotide variant.
Coding change: c.734T>C on transcript NM_000512.5 (MANE Select); coding-DNA position 734, T replaced by C.
Protein change: p.Phe245Ser; replaces phenylalanine 245 with serine.
Molecular consequence: missense variant.
Genome position (GRCh38, 1-based): chr16:88,835,749, A>G on the plus strand (T>C on the coding strand, the complement: GALNS is on the minus strand). VCF-style: chr16-88835749-A-G. GRCh37 (hg19) VCF-style: chr16-88902157-A-G.
Other names: c.179T>C, p.Phe60Ser (NM_001323543.2); c.752T>C, p.Phe251Ser (NM_001323544.2); short protein forms F245S, F251S, F60S.
Identifiers: ClinVar variation 3603272 (VCV003603272.1).